The following is an entry in ClinVar:

NM_001042492.3(NF1):c.-51C>T

Genes: MIR4733HG (MIR4733 host gene; minus strand), NF1 (neurofibromin 1; plus strand), LOC111811965 (NF1 (neurofibromin 1) promoter region; plus strand). Cytogenetic location: 17q11.2.
Variant type: single nucleotide variant.
Coding change: c.-51C>T on transcript NM_001042492.3 (MANE Select); 51 bases upstream of the start codon, C replaced by T.
Molecular consequence: 5 prime UTR variant. On other transcripts: non-coding transcript variant (1).
Genome position (GRCh38, 1-based): chr17:31,095,259, C>T. VCF-style: chr17-31095259-C-T. GRCh37 (hg19) VCF-style: chr17-29422277-C-T.
Other names: c.-51C>T (NM_000267.4, NM_001128147.3).
Identifiers: ClinVar variation 889509 (VCV000889509.5), dbSNP rs964223360, ClinGen allele CA289314720.

ClinVar aggregate classification (germline): Uncertain significance. Review status: criteria provided, multiple submitters, no conflicts (2 of 4 stars). 5 submissions from 2 submitters: Uncertain significance (5). Last evaluated 2024-04-15.

Conditions:
Café-au-lait macules with pulmonary stenosis (WTSN). Also called: PULMONIC STENOSIS WITH CAFE-AU-LAIT SPOTS. Identifiers: MedGen C0553586, MONDO:0008672, OMIM 193520.
Neurofibromatosis, type 1 (NF1). Also called: VON RECKLINGHAUSEN DISEASE; NEUROFIBROMATOSIS, TYPE I, SOMATIC; Peripheral type neurofibromatosis; Neurofibromatosis, type I. Identifiers: Orphanet 636, MedGen C0027831, MONDO:0018975, OMIM 162200. Disease mechanism: loss of function.
Neurofibromatosis, familial spinal (FSNF). Identifiers: Orphanet 636, MedGen C1834235, MONDO:0008078, OMIM 162210. Disease mechanism: loss of function.
Neurofibromatosis-Noonan syndrome (NFNS). Also called: NEUROFIBROMATOSIS WITH NOONAN PHENOTYPE. Identifiers: Orphanet 638, MedGen C2931482, MONDO:0011035, OMIM 601321. Disease mechanism: loss of function.

Allele frequency attached by ClinVar (database versions not stated): gnomAD exomes 0.00002 and 0.00011; TOPMed 0.00002.
gnomAD v4.1: 139 of 1,518,540 alleles (0.0092%); highest among the groups gnomAD compares: Non-Finnish European, 0.012%; no homozygotes.

Submissions (5):

Women's Health and Genetics/Laboratory Corporation of America, LabCorp
Classification: Uncertain significance. Last evaluated: 2024-04-15. Review status: criteria provided, single submitter. Criteria: LabCorp Variant Classification Summary - May 2015. Collection method: clinical testing. Allele origin: germline.
Comment: Variant summary: NF1 c.-51C>T is located in the untranslated mRNA region upstream of the initiation codon. The variant allele was found at a frequency of 0.0001 in 1362378 control chromosomes, predominantly at a frequency of 0.00013 within the Non-Finnish European subpopulation in the gnomAD database. This frequency is not higher than the estimated maximum expected for a pathogenic variant in NF1 causing Neurofibromatosis Type 1 (0.00021), allowing no conclusion about variant significance. To our knowledge, no occurrence of c.-51C>T in individuals affected with Neurofibromatosis Type 1 and no experimental evidence demonstrating its impact on protein function have been reported. ClinVar contains an entry for this variant (Variation ID: 889509). Based on the evidence outlined above, the variant was classified as VUS-possibly benign.

Illumina Laboratory Services, Illumina
Classification: Uncertain significance for Neurofibromatosis, type 1. Last evaluated: 2018-01-12. Review status: criteria provided, single submitter. Criteria: ICSL Variant Classification Criteria 13 December 2019. Collection method: clinical testing. Allele origin: germline.

Illumina Laboratory Services, Illumina
Classification: Uncertain significance for Café-au-lait macules with pulmonary stenosis. Last evaluated: 2018-01-12. Review status: criteria provided, single submitter. Criteria: ICSL Variant Classification Criteria 13 December 2019. Collection method: clinical testing. Allele origin: germline.

Illumina Laboratory Services, Illumina
Classification: Uncertain significance for Neurofibromatosis-Noonan syndrome. Last evaluated: 2018-01-12. Review status: criteria provided, single submitter. Criteria: ICSL Variant Classification Criteria 13 December 2019. Collection method: clinical testing. Allele origin: germline.

Illumina Laboratory Services, Illumina
Classification: Uncertain significance for Neurofibromatosis, familial spinal. Last evaluated: 2018-01-12. Review status: criteria provided, single submitter. Criteria: ICSL Variant Classification Criteria 13 December 2019. Collection method: clinical testing. Allele origin: germline.